The following is an entry in ClinVar:

ClinVar aggregate classification (germline): Likely pathogenic (1 of 4 stars; one submission).

Conditions:
Hereditary cancer-predisposing syndrome. Also called: Neoplastic Syndromes, Hereditary; Tumor predisposition; Hereditary Cancer Syndrome; Hereditary neoplastic syndrome. Identifiers: Orphanet 140162, MedGen C0027672, MeSH D009386, MONDO:0015356.

Submission:

Ambry Genetics
Classification: Likely pathogenic for Hereditary cancer-predisposing syndrome. Last evaluated: 2025-09-05. Review status: criteria provided, single submitter. Criteria: Ambry Variant Classification Scheme 2023. Collection method: clinical testing. Allele origin: germline.
Comment: The p.T132I variant (also known as c.395C>T), located in coding exon 2 of the RAD51C gene, results from a C to T substitution at nucleotide position 395. The threonine at codon 132 is replaced by isoleucine, an amino acid with similar properties. This amino acid position is highly conserved in available vertebrate species. In multiple homology-directed DNA repair (HDR) assays, this alteration showed a functionally abnormal read-out (Hu C. et al Cancer Res 2023 Aug;83(15):2557-2571; Olvera-Le&oacute;n R et al Cell 2024 Oct;187(20):5719-5734.e19). This variant is considered to be rare based on population cohorts in the Genome Aggregation Database (gnomAD). In addition, this alteration is predicted to be deleterious by in silico analysis. Based on the majority of available evidence to date, this variant is likely to be pathogenic.

NM_058216.3(RAD51C):c.395C>T (p.Thr132Ile)

Gene: RAD51C (RAD51 paralog C; plus strand). Cytogenetic location: 17q22.
Variant type: single nucleotide variant.
Coding change: c.395C>T on transcript NM_058216.3 (MANE Select); coding-DNA position 395, C replaced by T.
Protein change: p.Thr132Ile; replaces threonine 132 with isoleucine.
Molecular consequence: missense variant. On other transcripts: non-coding transcript variant (2).
Genome position (GRCh38, 1-based): chr17:58,695,180, C>T. VCF-style: chr17-58695180-C-T. GRCh37 (hg19) VCF-style: chr17-56772541-C-T.
Other names: c.395C>T, p.Thr132Ile (NM_002876.4); short protein forms T132I.
Identifiers: ClinVar variation 232015 (VCV000232015.6), dbSNP rs730881930, ClinGen allele CA10580737.